The following is an entry in ClinVar:

ClinVar aggregate classification (germline): Uncertain significance (1 of 4 stars; one submission).

Conditions:
Weaver syndrome (WVS). Also called: Weaver Smith syndrome; Overgrowth syndrome with accelerated skeletal maturation, unusual facies, and camptodactyly. Identifiers: Orphanet 3447, MedGen C0265210, MONDO:0010193, OMIM 277590.

Submission:

3billion
Classification: Uncertain significance for Weaver syndrome. Last evaluated: 2026-01-23. Review status: criteria provided, single submitter. Criteria: ACMG Guidelines, 2015. Collection method: clinical testing. Allele origin: germline. Affected: yes.
Comment: The variant is not observed in the gnomAD v4.1.0 dataset. Predicted Consequence/Location: Missense variant. Missense changes are a common disease-causing mechanism. In silico tool predictions suggest damaging effect of the variant on gene or gene product [REVEL: 0.61 (>=0.6, sensitivity 0.68 and specificity 0.92)]. Therefore, this variant is classified as VUS according to the recommendation of ACMG/AMP guideline.

NM_004456.5(EZH2):c.301C>A (p.Leu101Met)

Gene: EZH2 (enhancer of zeste 2 polycomb repressive complex 2 subunit; minus strand). Cytogenetic location: 7q36.1.
Variant type: single nucleotide variant.
Coding change: c.301C>A on transcript NM_004456.5 (MANE Select); coding-DNA position 301, C replaced by A.
Protein change: p.Leu101Met; replaces leucine 101 with methionine.
Molecular consequence: missense variant. On other transcripts: intron variant (1).
Genome position (GRCh38, 1-based): chr7:148,832,696, G>T on the plus strand (C>A on the coding strand, the complement: EZH2 is on the minus strand). VCF-style: chr7-148832696-G-T. GRCh37 (hg19) VCF-style: chr7-148529788-G-T.
Other names: c.301C>A, p.Leu101Met (NM_001203247.2); c.274C>A, p.Leu92Met (NM_001203248.2, NM_001203249.2); c.247-2848C>A (NM_152998.3); short protein forms L101M, L92M.
Identifiers: ClinVar variation 4856181 (VCV004856181.1).